The following is an entry in ClinVar:

ClinVar aggregate classification (germline): Uncertain significance (1 of 4 stars; one submission).

Submission:

Labcorp Genetics (formerly Invitae), Labcorp
Classification: Uncertain significance. Last evaluated: 2024-10-07. Review status: criteria provided, single submitter. Criteria: Invitae Variant Classification Sherloc (09022015). Collection method: clinical testing. Allele origin: germline.
Comment: This sequence change falls in intron 8 of the PAX4 gene. It does not directly change the encoded amino acid sequence of the PAX4 protein. This variant is present in population databases (rs761660224, gnomAD 0.001%). This variant has not been reported in the literature in individuals affected with PAX4-related conditions. Algorithms developed to predict the effect of sequence changes on RNA splicing suggest that this variant may disrupt the consensus splice site. In summary, the available evidence is currently insufficient to determine the role of this variant in disease. Therefore, it has been classified as a Variant of Uncertain Significance.

NM_001366110.1(PAX4):c.914-22CT[2]

Gene: PAX4 (paired box 4; minus strand). Cytogenetic location: 7q32.1.
Variant type: Microsatellite.
Coding change: c.914-22CT[2] on transcript NM_001366110.1 (MANE Select); two copies in a row of the 2-base unit CT starting at c.914-22; the reference has four copies in a row; two copies, 4 bases deleted.
Molecular consequence: intron variant.
Genome position (GRCh38, 1-based): chr7:127,611,221-127,611,224, AGAG deleted on the plus strand (CTCT on the coding strand, the reverse complement: PAX4 is on the minus strand); deleting any 4 consecutive bases within chr7:127,611,221-127,611,228 gives the same sequence; the position shown is the placement nearest the transcript's 3' end. VCF-style (leftmost placement, unchanged base first): chr7-127611220-TAGAG-T. GRCh37 (hg19) VCF-style: chr7-127251274-TAGAG-T.
Other names: c.914-243CT[2] (NM_001366111.1).
Identifiers: ClinVar variation 3618189 (VCV003618189.2).